The following is an entry in ClinVar:

NM_003190.5(TAPBP):c.375G>A (p.Met125Ile)

Gene: TAPBP (TAP binding protein; minus strand). Cytogenetic location: 6p21.32.
Variant type: single nucleotide variant.
Coding change: c.375G>A on transcript NM_003190.5 (MANE Select); coding-DNA position 375, G replaced by A.
Protein change: p.Met125Ile; replaces methionine 125 with isoleucine.
Molecular consequence: missense variant. On other transcripts: intron variant (1).
Genome position (GRCh38, 1-based): chr6:33,313,311, C>T on the plus strand (G>A on the coding strand, the complement: TAPBP is on the minus strand). VCF-style: chr6-33313311-C-T. GRCh37 (hg19) VCF-style: chr6-33281088-C-T.
Other names: c.375G>A, p.Met125Ile (NM_001410875.1, NM_172208.3); c.208+383G>A (NM_172209.3); short protein forms M125I.
Identifiers: ClinVar variation 2105846 (VCV002105846.4), dbSNP rs1451680435, ClinGen allele CA363620857.

ClinVar aggregate classification (germline): Uncertain significance (1 of 4 stars; one submission).

Conditions:
MHC class I deficiency. Identifiers: Orphanet 34592, MedGen C6024714, MONDO:0011476.

Submission:

Labcorp Genetics (formerly Invitae), Labcorp
Classification: Uncertain significance for MHC class I deficiency 1. Last evaluated: 2022-08-17. Review status: criteria provided, single submitter. Criteria: Invitae Variant Classification Sherloc (09022015). Collection method: clinical testing. Allele origin: germline.
Comment: In summary, the available evidence is currently insufficient to determine the role of this variant in disease. Therefore, it has been classified as a Variant of Uncertain Significance. Algorithms developed to predict the effect of missense changes on protein structure and function (SIFT, PolyPhen-2, Align-GVGD) all suggest that this variant is likely to be tolerated. This variant has not been reported in the literature in individuals affected with TAPBP-related conditions. This variant is not present in population databases (gnomAD no frequency). This sequence change replaces methionine, which is neutral and non-polar, with isoleucine, which is neutral and non-polar, at codon 125 of the TAPBP protein (p.Met125Ile).